The following is an entry in ClinVar:

NM_001015877.2(PHF6):c.12A>T (p.Ser4=)

Gene: PHF6 (PHD finger protein 6; plus strand). Cytogenetic location: Xq26.2.
Variant type: single nucleotide variant.
Coding change: c.12A>T on transcript NM_001015877.2 (MANE Select); coding-DNA position 12, A replaced by T.
Protein change: p.Ser4=; no amino-acid change (serine 4 retained).
Molecular consequence: synonymous variant.
Genome position (GRCh38, 1-based): chrX:134,377,629, A>T. VCF-style: chrX-134377629-A-T. GRCh37 (hg19) VCF-style: chrX-133511659-A-T.
Other names: c.12A>T, p.Ser4= (NM_032335.3, NM_032458.3).
Identifiers: ClinVar variation 4987063 (VCV004987063.1).
Genomic context (GRCh38, chrX:134,377,629, plus strand): 5'-TAGCATTTCTTGAGACTTAAAGTGGCATTCTAAAGGCAATTTAAAAATCATGTCAAGCTC[A>T]GTTGAACAGAAAAAAGGGCCTACAAGACAGCGCAAATGTGGCTTTTGTAAGTCAAATAGA-3'
Protein context (NP_001015877.1, residues 1-14): MSS[Ser4=]VEQKKGPTRQ

ClinVar aggregate classification (germline): Likely benign (1 of 4 stars; one submission).

Conditions:
PHF6-related disorder. Also called: PHF6-related condition.

Submission:

PreventionGenetics, part of Exact Sciences
Classification: Likely benign for PHF6-related condition. Last evaluated: 2025-09-09. Review status: criteria provided, single submitter. Criteria: ACMG Guidelines, 2015. Collection method: clinical testing. Allele origin: germline.
Comment: This variant is classified as likely benign based on ACMG/AMP sequence variant interpretation guidelines (Richards et al. 2015 PMID: 25741868, with internal and published modifications).